The following is an entry in ClinVar:

NM_004415.4(DSP):c.3919G>T (p.Ala1307Ser)

Gene: DSP (desmoplakin; plus strand). Cytogenetic location: 6p24.3.
Variant type: single nucleotide variant.
Coding change: c.3919G>T on transcript NM_004415.4 (MANE Select); coding-DNA position 3919, G replaced by T.
Protein change: p.Ala1307Ser; replaces alanine 1307 with serine.
Molecular consequence: missense variant. On other transcripts: intron variant (1).
Genome position (GRCh38, 1-based): chr6:7,580,109, G>T. VCF-style: chr6-7580109-G-T. GRCh37 (hg19) VCF-style: chr6-7580342-G-T.
Other names: c.3919G>T, p.Ala1307Ser (NM_001319034.2); c.3582+337G>T (NM_001008844.3); short protein forms A1307S.
Identifiers: ClinVar variation 2567536 (VCV002567536.6), dbSNP rs367579811, ClinGen allele CA362685144.

ClinVar aggregate classification (germline): Uncertain significance. Review status: criteria provided, multiple submitters, no conflicts (2 of 4 stars). 3 submissions from 3 submitters: Uncertain significance (3). Last evaluated 2025-02-02.

Conditions:
Cardiovascular phenotype. Identifiers: MedGen CN230736.
Cardiomyopathy (CMYO). Also called: Cardiomyopathies. Identifiers: Orphanet 167848, MedGen C0878544, MONDO:0004994, HP:0001638. Inheritance: Various modes of inheritance.
Arrhythmogenic cardiomyopathy with wooly hair and keratoderma. Also called: Dilated cardiomyopathy with woolly hair and keratoderma; PALMOPLANTAR KERATODERMA WITH LEFT VENTRICULAR CARDIOMYOPATHY AND WOOLLY HAIR; Arrhythmogenic cardiomyopathy with woolly hair and keratoderma; Carvajal syndrome. Identifiers: Orphanet 65282, MedGen C1854063, MONDO:0011581, OMIM 605676.
Arrhythmogenic right ventricular dysplasia 8 (ARVD8). Also called: Arrhythmogenic Right Ventricular Dysplasia/Cardiomyopathy 8; ARRHYTHMOGENIC RIGHT VENTRICULAR DYSPLASIA, FAMILIAL, 8; ARRHYTHMOGENIC RIGHT VENTRICULAR CARDIOMYOPATHY 8. Identifiers: MedGen C1843896, MONDO:0011831, OMIM 607450.

Submissions (3):

Labcorp Genetics (formerly Invitae), Labcorp
Classification: Uncertain significance for Arrhythmogenic cardiomyopathy with wooly hair and keratoderma; Arrhythmogenic right ventricular dysplasia 8. Last evaluated: 2025-02-02. Review status: criteria provided, single submitter. Criteria: Invitae Variant Classification Sherloc (09022015). Collection method: clinical testing. Allele origin: germline.
Comment: This sequence change replaces alanine, which is neutral and non-polar, with serine, which is neutral and polar, at codon 1307 of the DSP protein (p.Ala1307Ser). This variant is not present in population databases (gnomAD no frequency). This variant has not been reported in the literature in individuals affected with DSP-related conditions. ClinVar contains an entry for this variant (Variation ID: 2567536). An algorithm developed to predict the effect of missense changes on protein structure and function (PolyPhen-2) suggests that this variant is likely to be tolerated. In summary, the available evidence is currently insufficient to determine the role of this variant in disease. Therefore, it has been classified as a Variant of Uncertain Significance.

Color Diagnostics, LLC DBA Color Health
Classification: Uncertain significance for Cardiomyopathy. Last evaluated: 2023-09-18. Review status: criteria provided, single submitter. Criteria: ACMG Guidelines, 2015. Collection method: clinical testing. Allele origin: germline.
Comment: This missense variant replaces alanine with serine at codon 1307 of the DSP protein. Computational prediction suggests that this variant may not impact protein structure and function (internally defined REVEL score threshold <= 0.5, PMID: 27666373). To our knowledge, functional studies have not been reported for this variant. This variant has not been reported in individuals affected with DSP-related disorders in the literature. This variant has not been identified in the general population by the Genome Aggregation Database (gnomAD). The available evidence is insufficient to determine the role of this variant in disease conclusively. Therefore, this variant is classified as a Variant of Uncertain Significance.

Ambry Genetics
Classification: Uncertain significance for Cardiovascular phenotype. Last evaluated: 2023-05-27. Review status: criteria provided, single submitter. Criteria: Ambry Variant Classification Scheme 2023. Collection method: clinical testing. Allele origin: germline.
Comment: The p.A1307S variant (also known as c.3919G>T), located in coding exon 23 of the DSP gene, results from a G to T substitution at nucleotide position 3919. The alanine at codon 1307 is replaced by serine, an amino acid with similar properties. This amino acid position is conserved. In addition, this alteration is predicted to be tolerated by in silico analysis. Since supporting evidence is limited at this time, the clinical significance of this alteration remains unclear.